The following is an entry in ClinVar:

NM_000218.3(KCNQ1):c.418A>G (p.Ser140Gly)

Gene: KCNQ1 (potassium voltage-gated channel subfamily Q member 1; plus strand). Cytogenetic location: 11p15.5.
Variant type: single nucleotide variant.
Coding change: c.418A>G on transcript NM_000218.3 (MANE Select); coding-DNA position 418, A replaced by G.
Protein change: p.Ser140Gly; replaces serine 140 with glycine.
Molecular consequence: missense variant.
Genome position (GRCh38, 1-based): chr11:2,527,959, A>G. VCF-style: chr11-2527959-A-G. GRCh37 (hg19) VCF-style: chr11-2549189-A-G.
Other names: c.418A>G, p.Ser140Gly (NM_001406836.1, NM_001406838.1); c.148A>G, p.Ser50Gly (NM_001406837.1); c.37A>G, p.Ser13Gly (NM_181798.2); c.418A>G (LRG_287t1); short protein forms S140G, S13G, S50G.
Identifiers: ClinVar variation 3143 (VCV000003143.4), dbSNP rs120074192, ClinGen allele CA007037.
Genomic context (GRCh38, chr11:2,527,959, plus strand): 5'-ATGCTGACTGCCGTGTCCCTGTCTTGCAGCTTCCTCATCGTCCTGGTCTGCCTCATCTTC[A>G]GCGTGCTGTCCACCATCGAGCAGTATGCCGCCCTGGCCACGGGGACTCTCTTCTGGATGG-3'
Protein context (NP_000209.2, residues 130-150): FLIVLVCLIF[Ser140Gly]VLSTIEQYAA

ClinVar aggregate classification (germline): Pathogenic. Review status: no assertion criteria provided (0 of 4 stars). 2 submissions from 2 submitters: Pathogenic (1). 1 of the submissions does not count toward it. Last evaluated 2003-01-10.

Conditions:
Atrial fibrillation. Identifiers: MedGen C0004238, MONDO:0004981, HP:0005110.
Atrial fibrillation, familial, 3 (ATFB3). Identifiers: MedGen C1837014, MONDO:0011857, OMIM 607554.

Submissions (2):

OMIM
Classification: Pathogenic for ATRIAL FIBRILLATION, FAMILIAL, 3. Last evaluated: 2003-01-10. Review status: no assertion criteria provided. Collection method: literature only. Allele origin: germline.

Cardiovascular Biomedical Research Unit, Royal Brompton & Harefield NHS Foundation Trust
No classification provided. Condition: Atrial fibrillation. Review status: no classification provided. Collection method: literature only. Allele origin: germline. Not counted in ClinVar's aggregate classification.
Comment: This variant has been reported as associated with Atrial fibrillation in the following publications (PMID:12522251;PMID:15368194;PMID:17467630;PMID:18599533;PMID:21224508;PMID:22250012;PMID:17999538;PMID:22508963). This is a literature report, and does not necessarily reflect the clinical interpretation of the Imperial College / Royal Brompton Cardiovascular Genetics laboratory.

Literature cited by the submitters: PubMed 12522251 (cited by OMIM and Cardiovascular Biomedical Research Unit, Royal Brompton & Harefield NHS Foundation Trust); PubMed 28383569 (cited by OMIM); PubMed 15368194 (cited by Cardiovascular Biomedical Research Unit, Royal Brompton & Harefield NHS Foundation Trust); PubMed 17467630 (cited by Cardiovascular Biomedical Research Unit, Royal Brompton & Harefield NHS Foundation Trust); PubMed 18599533 (cited by Cardiovascular Biomedical Research Unit, Royal Brompton & Harefield NHS Foundation Trust); PubMed 21224508 (cited by Cardiovascular Biomedical Research Unit, Royal Brompton & Harefield NHS Foundation Trust); PubMed 22250012 (cited by Cardiovascular Biomedical Research Unit, Royal Brompton & Harefield NHS Foundation Trust); PubMed 17999538 (cited by Cardiovascular Biomedical Research Unit, Royal Brompton & Harefield NHS Foundation Trust); PubMed 22508963 (cited by Cardiovascular Biomedical Research Unit, Royal Brompton & Harefield NHS Foundation Trust); PubMed 22581653 (cited by Cardiovascular Biomedical Research Unit, Royal Brompton & Harefield NHS Foundation Trust).